The following is an entry in ClinVar:

ClinVar aggregate classification (germline): Uncertain significance (1 of 4 stars; one submission).

Conditions:
Chopra-Amiel-Gordon syndrome (CAGS). Also called: ANKRD17-Related Neurodevelopmental Syndrome. Identifiers: MedGen C5561975, MONDO:0859186, OMIM 619504.

Allele frequency attached by ClinVar (database versions not stated): ExAC 0.00001; gnomAD exomes 0.00001.
gnomAD v4.1: 6 of 1,613,974 alleles (0.00037%); highest among the groups gnomAD compares: South Asian, 0.0066%; no homozygotes.

Submission:

Foundation for Research in Genetics and Endocrinology, FRIGE's Institute of Human Genetics
Classification: Uncertain significance for Chopra-Amiel-Gordon syndrome. Last evaluated: 2023-07-05. Review status: criteria provided, single submitter. Criteria: ACMG Guidelines, 2015. Collection method: clinical testing. Allele origin: germline. Inheritance: Autosomal dominant inheritance. Affected: yes. Observed: 1 heterozygote.
Comment: A heterozygous missense variant in exon 12 of the ANKRD17 gene that results in the amino acid substitution of Threonine for Alanine at codon 685 (p.Ala685Thr) was detected. This variant has not been reported in the 1000 genomes, gnomAD (v3.1), gnomAD (v2.1) and topmed databases. The in silico predictions of the variant are damaging by SIFT and LRT. The reference codon is conserved across species. The reference codon is conserved across species. In summary, the variant meets our criteria to be classified as variant of uncertain significance.

NM_032217.5(ANKRD17):c.2053G>A (p.Ala685Thr)

Gene: ANKRD17 (ankyrin repeat domain 17; minus strand). Cytogenetic location: 4q13.3.
Variant type: single nucleotide variant.
Coding change: c.2053G>A on transcript NM_032217.5 (MANE Select); coding-DNA position 2053, G replaced by A.
Protein change: p.Ala685Thr; replaces alanine 685 with threonine.
Molecular consequence: missense variant.
Genome position (GRCh38, 1-based): chr4:73,142,672, C>T on the plus strand (G>A on the coding strand, the complement: ANKRD17 is on the minus strand). VCF-style: chr4-73142672-C-T. GRCh37 (hg19) VCF-style: chr4-74008389-C-T.
Other names: p.Ala685Thr; c.1714G>A, p.Ala572Thr (NM_001286771.3); c.2053G>A, p.Ala685Thr (NM_015574.2, NM_198889.3); short protein forms A572T, A685T.
Identifiers: ClinVar variation 2571586 (VCV002571586.2), dbSNP rs773052963, ClinGen allele CA2958813.